The following is an entry in ClinVar:

ClinVar aggregate classification (germline): Uncertain significance. Review status: criteria provided, multiple submitters, no conflicts (2 of 4 stars). 3 submissions from 3 submitters: Uncertain significance (3). Last evaluated 2023-11-27.

Conditions:
Epiphyseal dysplasia, multiple, 2 (EDM2). Also called: COL9A2-Related Multiple Epiphyseal Dysplasia. Identifiers: MedGen C1838429, MONDO:0010844, OMIM 600204.

Allele frequency attached by ClinVar (database versions not stated): TOPMed 0.00003.
gnomAD v4.1: 19 of 1,550,672 alleles (0.0012%); highest among the groups gnomAD compares: Non-Finnish European, 0.0017%; no homozygotes.

Submissions (3):

GeneDx
Classification: Uncertain significance. Last evaluated: 2023-11-27. Review status: criteria provided, single submitter. Criteria: GeneDx Variant Classification Process June 2021. Collection method: clinical testing. Allele origin: germline. Affected: yes.
Comment: Has not been previously published as pathogenic or benign to our knowledge; Not observed at significant frequency in large population cohorts (gnomAD); In silico analysis supports that this missense variant does not alter protein structure/function

Labcorp Genetics (formerly Invitae), Labcorp
Classification: Uncertain significance. Last evaluated: 2022-02-08. Review status: criteria provided, single submitter. Criteria: Invitae Variant Classification Sherloc (09022015). Collection method: clinical testing. Allele origin: germline.
Comment: This sequence change replaces arginine, which is basic and polar, with leucine, which is neutral and non-polar, at codon 375 of the COL9A2 protein (p.Arg375Leu). This variant is not present in population databases (gnomAD no frequency). This variant has not been reported in the literature in individuals affected with COL9A2-related conditions. ClinVar contains an entry for this variant (Variation ID: 297301). Advanced modeling of protein sequence and biophysical properties (such as structural, functional, and spatial information, amino acid conservation, physicochemical variation, residue mobility, and thermodynamic stability) performed at Invitae indicates that this missense variant is not expected to disrupt COL9A2 protein function. In summary, the available evidence is currently insufficient to determine the role of this variant in disease. Therefore, it has been classified as a Variant of Uncertain Significance.

Illumina Laboratory Services, Illumina
Classification: Uncertain significance for Epiphyseal dysplasia, multiple, 2. Last evaluated: 2018-01-13. Review status: criteria provided, single submitter. Criteria: ICSL Variant Classification Criteria 13 December 2019. Collection method: clinical testing. Allele origin: germline.

NM_001852.4(COL9A2):c.1124G>T (p.Arg375Leu)

Gene: COL9A2 (collagen type IX alpha 2 chain; minus strand). Cytogenetic location: 1p34.2.
Variant type: single nucleotide variant.
Coding change: c.1124G>T on transcript NM_001852.4 (MANE Select); coding-DNA position 1124, G replaced by T.
Protein change: p.Arg375Leu; replaces arginine 375 with leucine.
Molecular consequence: missense variant.
Genome position (GRCh38, 1-based): chr1:40,304,831, C>A on the plus strand (G>T on the coding strand, the complement: COL9A2 is on the minus strand). VCF-style: chr1-40304831-C-A. GRCh37 (hg19) VCF-style: chr1-40770503-C-A.
Other names: short protein forms R375L.
Identifiers: ClinVar variation 297301 (VCV000297301.12), dbSNP rs370682522, ClinGen allele CA10611176.